The following is an entry in ClinVar:

NM_020822.3(KCNT1):c.1979T>C (p.Leu660Pro)

Gene: KCNT1 (potassium sodium-activated channel subfamily T member 1; plus strand). Cytogenetic location: 9q34.3.
Variant type: single nucleotide variant.
Coding change: c.1979T>C on transcript NM_020822.3 (MANE Select); coding-DNA position 1979, T replaced by C.
Protein change: p.Leu660Pro; replaces leucine 660 with proline.
Molecular consequence: missense variant.
Genome position (GRCh38, 1-based): chr9:135,771,066, T>C. VCF-style: chr9-135771066-T-C. GRCh37 (hg19) VCF-style: chr9-138662912-T-C.
Other names: c.1844T>C, p.Leu615Pro (NM_001272003.2); short protein forms L660P, L615P.
Identifiers: ClinVar variation 2947549 (VCV002947549.3), dbSNP rs1442527675, ClinGen allele CA375508786.
Genomic context (GRCh38, chr9:135,771,066, plus strand): 5'-AGGAGAAGCGGAAGAAGAGGGCCTTCTCGGGGCAGGGGCTGCACGAGGGTCCGGCCCGCC[T>C]GCCCGTGCACAGCATCATCGCCTCCATGGGTGAGCCGGGACAGGCGCGCGGGACTCCCTG-3'
Protein context (NP_065873.2, residues 650-670): GQGLHEGPAR[Leu660Pro]PVHSIIASMG

ClinVar aggregate classification (germline): Uncertain significance (1 of 4 stars; one submission).

Conditions:
Autosomal dominant nocturnal frontal lobe epilepsy 5. Also called: Epilepsy, nocturnal frontal lobe, 5; CILIARY DYSKINESIA, PRIMARY, 28, WITHOUT SITUS INVERSUS; CILIARY DYSKINESIA, PRIMARY, 28, WITH SITUS INVERSUS; KCNT1-Related Epilepsy. Identifiers: Orphanet 98784, MedGen C3554306, MONDO:0014002, OMIM 615005.
Developmental and epileptic encephalopathy, 14 (DEE14). Also called: Early infantile epileptic encephalopathy 14. Identifiers: Orphanet 293181, MedGen C3554195, MONDO:0013989, OMIM 614959.

Allele frequency attached by ClinVar (database versions not stated): gnomAD exomes below 0.00001.
gnomAD v4.1: 1 of 1,611,912 alleles (0.000062%); highest among the groups gnomAD compares: African/African-American, 0.0013%; no homozygotes.

Submission:

Labcorp Genetics (formerly Invitae), Labcorp
Classification: Uncertain significance for Autosomal dominant nocturnal frontal lobe epilepsy 5; Developmental and epileptic encephalopathy, 14. Last evaluated: 2025-03-10. Review status: criteria provided, single submitter. Criteria: Invitae Variant Classification Sherloc (09022015). Collection method: clinical testing. Allele origin: germline.
Comment: This sequence change replaces leucine, which is neutral and non-polar, with proline, which is neutral and non-polar, at codon 660 of the KCNT1 protein (p.Leu660Pro). The frequency data for this variant in the population databases is considered unreliable, as metrics indicate poor data quality at this position in the gnomAD database. This variant has not been reported in the literature in individuals affected with KCNT1-related conditions. ClinVar contains an entry for this variant (Variation ID: 2947549). Invitae Evidence Modeling of protein sequence and biophysical properties (such as structural, functional, and spatial information, amino acid conservation, physicochemical variation, residue mobility, and thermodynamic stability) indicates that this missense variant is not expected to disrupt KCNT1 protein function with a negative predictive value of 80%. In summary, the available evidence is currently insufficient to determine the role of this variant in disease. Therefore, it has been classified as a Variant of Uncertain Significance.